The following is an entry in ClinVar:

ClinVar aggregate classification (germline): Benign. Review status: criteria provided, multiple submitters, no conflicts (2 of 4 stars). 3 submissions from 3 submitters: Benign (2). 1 of the submissions does not count toward it. Last evaluated 2019-12-31.

Conditions:
ZFHX2-related disorder. Also called: ZFHX2-related condition.

Allele frequency attached by ClinVar (database versions not stated): gnomAD exomes 0.00115 and 0.00245; ExAC 0.00176; 1000 Genomes Project 0.00899; 1000 Genomes Project 30x 0.00984; gnomAD 0.01109; TOPMed 0.01237.
gnomAD v4.1: 3,401 of 1,536,194 alleles (0.22%); highest among the groups gnomAD compares: African/African-American, 3.9%; 53 homozygotes.

Submissions (3):

Labcorp Genetics (formerly Invitae), Labcorp
Classification: Benign. Last evaluated: 2019-12-31. Review status: criteria provided, single submitter. Criteria: Invitae Variant Classification Sherloc (09022015). Collection method: clinical testing. Allele origin: germline.

Breakthrough Genomics
Classification: Benign. Review status: criteria provided, single submitter. Criteria: ACMG Guidelines, 2015. Collection method: not provided. Allele origin: germline. Inheritance: Autosomal dominant inheritance. Affected: yes.

PreventionGenetics, part of Exact Sciences
Classification: Benign for ZFHX2-related condition. Last evaluated: 2019-02-21. Review status: no assertion criteria provided. Collection method: clinical testing. Allele origin: germline. Not counted in ClinVar's aggregate classification.
Comment: This variant is classified as benign based on ACMG/AMP sequence variant interpretation guidelines (Richards et al. 2015 PMID: 25741868, with internal and published modifications).

NM_033400.3(ZFHX2):c.295G>C (p.Glu99Gln)

Genes: THTPA (thiamine triphosphatase; plus strand), ZFHX2 (zinc finger homeobox 2; minus strand). Cytogenetic location: 14q11.2.
Variant type: single nucleotide variant.
Coding change: c.295G>C on transcript NM_033400.3 (MANE Select); coding-DNA position 295, G replaced by C.
Protein change: p.Glu99Gln; replaces glutamic acid 99 with glutamine.
Molecular consequence: missense variant.
Genome position (GRCh38, 1-based): chr14:23,535,031, C>G on the plus strand (G>C on the coding strand, the complement: ZFHX2 is on the minus strand). VCF-style: chr14-23535031-C-G. GRCh37 (hg19) VCF-style: chr14-24004240-C-G.
Other names: short protein forms E99Q.
Identifiers: ClinVar variation 776821 (VCV000776821.7), dbSNP rs61740283, ClinGen allele CA7117173.